The following is an entry in ClinVar:

NM_130384.3(ATRIP):c.834T>G (p.Ser278Arg)

Genes: ATRIP (ATR interacting protein; plus strand), ATRIP-TREX1 (ATRIP-TREX1 readthrough; plus strand). Cytogenetic location: 3p21.31.
Variant type: single nucleotide variant.
Coding change: c.834T>G on transcript NM_130384.3 (MANE Select); coding-DNA position 834, T replaced by G.
Protein change: p.Ser278Arg; replaces serine 278 with arginine.
Molecular consequence: missense variant. On other transcripts: non-coding transcript variant (1).
Genome position (GRCh38, 1-based): chr3:48,459,363, T>G. VCF-style: chr3-48459363-T-G. GRCh37 (hg19) VCF-style: chr3-48500762-T-G.
Other names: c.453T>G, p.Ser151Arg (NM_001271022.2); c.555T>G, p.Ser185Arg (NM_001271023.2); c.834T>G, p.Ser278Arg (NM_032166.4); short protein forms S185R, S151R, S278R.
Identifiers: ClinVar variation 3465254 (VCV003465254.3).

ClinVar aggregate classification (germline): Uncertain significance. Review status: criteria provided, multiple submitters, no conflicts (2 of 4 stars). 2 submissions from 2 submitters: Uncertain significance (2). Last evaluated 2024-12-08.

Submissions (2):

Ambry Genetics
Classification: Uncertain significance. Last evaluated: 2024-12-08. Review status: criteria provided, single submitter. Criteria: Ambry Variant Classification Scheme 2023. Collection method: clinical testing. Allele origin: germline.
Comment: The p.S278R variant (also known as c.834T>G), located in coding exon 6 of the ATRIP gene, results from a T to G substitution at nucleotide position 834. The serine at codon 278 is replaced by arginine, an amino acid with dissimilar properties. This amino acid position is conserved. In addition, this alteration is predicted to be tolerated by in silico analysis. Based on the available evidence, the clinical significance of this variant remains unclear.

Labcorp Genetics (formerly Invitae), Labcorp
Classification: Uncertain significance. Last evaluated: 2024-05-10. Review status: criteria provided, single submitter. Criteria: Invitae Variant Classification Sherloc (09022015). Collection method: clinical testing. Allele origin: germline.
Comment: This sequence change replaces serine, which is neutral and polar, with arginine, which is basic and polar, at codon 278 of the ATRIP protein (p.Ser278Arg). This variant is present in population databases (rs748813659, gnomAD 0.1%), and has an allele count higher than expected for a pathogenic variant. This variant has not been reported in the literature in individuals affected with ATRIP-related conditions. An algorithm developed to predict the effect of missense changes on protein structure and function (PolyPhen-2) suggests that this variant is likely to be tolerated. In summary, the available evidence is currently insufficient to determine the role of this variant in disease. Therefore, it has been classified as a Variant of Uncertain Significance.